The following is an entry in ClinVar:

ClinVar aggregate classification (germline): Uncertain significance (1 of 4 stars; one submission).

Conditions:
Combined immunodeficiency due to LRBA deficiency. Also called: Common variable immunodeficiency 8, with autoimmunity. Identifiers: Orphanet 445018, MedGen C3553512, MONDO:0013863, OMIM 614700.

Allele frequency attached by ClinVar (database versions not stated): TOPMed 0.00002; gnomAD 0.00003; gnomAD exomes below 0.00001 and 0.00002.
gnomAD v4.1: 38 of 1,613,722 alleles (0.0024%); highest among the groups gnomAD compares: African/African-American, 0.0093%; no homozygotes.

Submission:

Labcorp Genetics (formerly Invitae), Labcorp
Classification: Uncertain significance for Combined immunodeficiency due to LRBA deficiency. Last evaluated: 2021-10-08. Review status: criteria provided, single submitter. Criteria: Invitae Variant Classification Sherloc (09022015). Collection method: clinical testing. Allele origin: germline.
Comment: This sequence change replaces isoleucine with valine at codon 893 of the LRBA protein (p.Ile893Val). The isoleucine residue is weakly conserved and there is a small physicochemical difference between isoleucine and valine. This variant is not present in population databases (ExAC no frequency). This variant has not been reported in the literature in individuals affected with LRBA-related conditions. Algorithms developed to predict the effect of missense changes on protein structure and function (SIFT, PolyPhen-2, Align-GVGD) all suggest that this variant is likely to be tolerated. In summary, the available evidence is currently insufficient to determine the role of this variant in disease. Therefore, it has been classified as a Variant of Uncertain Significance.

NM_001364905.1(LRBA):c.2677A>G (p.Ile893Val)

Gene: LRBA (LPS responsive beige-like anchor protein; minus strand). Cytogenetic location: 4q31.3.
Variant type: single nucleotide variant.
Coding change: c.2677A>G on transcript NM_001364905.1 (MANE Select); coding-DNA position 2677, A replaced by G.
Protein change: p.Ile893Val; replaces isoleucine 893 with valine.
Molecular consequence: missense variant.
Genome position (GRCh38, 1-based): chr4:150,867,760, T>C on the plus strand (A>G on the coding strand, the complement: LRBA is on the minus strand). VCF-style: chr4-150867760-T-C. GRCh37 (hg19) VCF-style: chr4-151788912-T-C.
Other names: c.2677A>G, p.Ile893Val (NM_001199282.3, NM_001367550.1, NM_006726.5); short protein forms I893V.
Identifiers: ClinVar variation 1439634 (VCV001439634.3), dbSNP rs1399241067, ClinGen allele CA358464399.
Genomic context (GRCh38, chr4:150,867,760, plus strand): 5'-CCCATACACGCCAGCCACCCCACTCATATTTGACTGCATGGTAAAGCAGGATTCTGAATA[T>C]GGCGTATACCATTTCTGTTATCTTTTGCTCATCTGAATTCTTAGGATTAAAATAGCAGAG-3'
Protein context (NP_001351834.1, residues 883-903): EQKITEMVYA[Ile893Val]FRILLYHAVK